The following is an entry in ClinVar:

ClinVar aggregate classification (germline): Pathogenic. Review status: criteria provided, multiple submitters, no conflicts (2 of 4 stars). 5 submissions from 5 submitters: Pathogenic (3). 2 of the submissions do not count toward it. Last evaluated 2025-05-12.

Conditions:
Tay-Sachs disease (TSD). Also called: GM2 gangliosidosis, type 1; Hexosaminidase alpha-subunit deficiency (variant B); Sphingolipidosis, Tay-Sachs; Hexosaminidase A Deficiency; HEXA Disorders; HEXA DEFICIENCY. Identifiers: Orphanet 845, MedGen C0039373, MONDO:0010100, OMIM 272800.

gnomAD v4.1: 1 of 1,614,024 alleles (0.000062%); highest among the groups gnomAD compares: South Asian, 0.0011%; no homozygotes.

Submissions (5):

Natera, Inc.
Classification: Pathogenic for Tay-Sachs disease. Last evaluated: 2025-05-12. Review status: criteria provided, single submitter. Criteria: Natera Variant Classification Schema (03/2026). Collection method: clinical testing. Allele origin: germline.
Comment: The c.346+1G>A variant in HEXA is a canonical splice donor site variant predicted to affect pre-mRNA splicing, which may result in an abnormal transcript and altered protein product. This variant may result in a truncated or dysfunctional protein product. This variant is rare in the general population with a frequency below the threshold expected for the associated phenotype(s). This variant has been observed in one or more individuals affected with the associated recessive disease, as either homozygous or compound heterozygous with a second variant (PMID: 34554397, 1837283). This variant has been identified in one or more affected individuals with a phenotype highly consistent with the associated gene (PMID:34554397). Another variant at this same site results in an alteration predicted to cause a similar molecular effect has been observed in individual(s) with the associated phenotype. Given the available evidence, this variant is classified as Pathogenic.

Labcorp Genetics (formerly Invitae), Labcorp
Classification: Pathogenic for Tay-Sachs disease. Last evaluated: 2023-06-09. Review status: criteria provided, single submitter. Criteria: Invitae Variant Classification Sherloc (09022015). Collection method: clinical testing. Allele origin: germline.
Comment: This sequence change affects a donor splice site in intron 2 of the HEXA gene. It is expected to disrupt RNA splicing. Variants that disrupt the donor or acceptor splice site typically lead to a loss of protein function (PMID: 16199547), and loss-of-function variants in HEXA are known to be pathogenic (PMID: 1833974, 8490625). This variant is not present in population databases (gnomAD no frequency). Disruption of this splice site has been observed in individuals with Tay-Sachs disease (PMID: 1837283, 34554397). This variant is also known as G to A substitution at position 1 of IVS2. . ClinVar contains an entry for this variant (Variation ID: 556348). Algorithms developed to predict the effect of sequence changes on RNA splicing suggest that this variant may disrupt the consensus splice site. For these reasons, this variant has been classified as Pathogenic.

Women's Health and Genetics/Laboratory Corporation of America, LabCorp
Classification: Pathogenic for Tay-Sachs disease. Last evaluated: 2020-03-19. Review status: criteria provided, single submitter. Criteria: LabCorp Variant Classification Summary - May 2015. Collection method: clinical testing. Allele origin: germline.
Comment: Variant summary: HEXA c.346+1G>A is located in a canonical splice-site and is predicted to affect mRNA splicing resulting in a significantly altered protein due to either exon skipping, shortening, or inclusion of intronic material. Several computational tools predict a significant impact on normal splicing: Four predict the variant abolishes a 5 splicing donor site. At least one publication reports experimental evidence that this variant affects skipping of exon 2 (Akli_1991). The variant was absent in 251296 control chromosomes (gnomAD). c.346+1G>A has been reported in the literature in individuals (both compound heterozygous and homozygous) affected with Tay-Sachs Disease (Akli_1991, Dastsooz_2018). These data indicate that the variant may be associated with disease. One ClinVar submitter (evaluation after 2014) cite the variant as pathogenic. Based on the evidence outlined above, the variant was classified as pathogenic.

Counsyl
Classification: Pathogenic for Tay-Sachs disease. Last evaluated: 2018-01-26. Review status: no assertion criteria provided. Collection method: clinical testing. Allele origin: unknown. Not counted in ClinVar's aggregate classification.

OMIM
Classification: Pathogenic for TAY-SACHS DISEASE. Last evaluated: 1992-10-01. Review status: no assertion criteria provided. Collection method: literature only. Allele origin: germline. Not counted in ClinVar's aggregate classification.

Literature cited by the submitters: PubMed 34554397 (cited by Natera, Inc. and Labcorp Genetics (formerly Invitae), Labcorp); PubMed 1837283 (cited by 5 submitters); PubMed 16199547 (cited by Labcorp Genetics (formerly Invitae), Labcorp); PubMed 1833974 (cited by Labcorp Genetics (formerly Invitae), Labcorp); PubMed 8490625 (cited by Labcorp Genetics (formerly Invitae), Labcorp); PubMed 24518553 (cited by Women's Health and Genetics/Laboratory Corporation of America, LabCorp and Counsyl); PubMed 10571007 (cited by Women's Health and Genetics/Laboratory Corporation of America, LabCorp); PubMed 9090523 (cited by Women's Health and Genetics/Laboratory Corporation of America, LabCorp); PubMed 20100466 (cited by Women's Health and Genetics/Laboratory Corporation of America, LabCorp); PubMed 17001642 (cited by Women's Health and Genetics/Laboratory Corporation of America, LabCorp); PubMed 31428437 (cited by Women's Health and Genetics/Laboratory Corporation of America, LabCorp); PubMed 8397824 (cited by Women's Health and Genetics/Laboratory Corporation of America, LabCorp); PubMed 10464605 (cited by Women's Health and Genetics/Laboratory Corporation of America, LabCorp); PubMed 11596984 (cited by Women's Health and Genetics/Laboratory Corporation of America, LabCorp); PubMed 1532289 (cited by OMIM); PubMed 803011 (cited by OMIM); PubMed 1269177 (cited by OMIM); PubMed 7063277 (cited by OMIM); PubMed 1384323 (cited by OMIM).

NM_000520.6(HEXA):c.346+1G>A

Gene: HEXA (hexosaminidase subunit alpha; minus strand). Cytogenetic location: 15q23.
Variant type: single nucleotide variant.
Coding change: c.346+1G>A on transcript NM_000520.6 (MANE Select); the canonical splice donor site of the intron after coding-DNA position 346, G replaced by A.
Molecular consequence: splice donor variant.
Genome position (GRCh38, 1-based): chr15:72,356,524, C>T on the plus strand (G>A on the coding strand, the complement: HEXA is on the minus strand). VCF-style: chr15-72356524-C-T. GRCh37 (hg19) VCF-style: chr15-72648865-C-T.
Other names: IVS2, G-A, +1; c.379+1G>A (NM_001318825.2).
Identifiers: ClinVar variation 556348 (VCV000556348.182), dbSNP rs797044432, ClinGen allele CA393067070.